The following is an entry in ClinVar:

ClinVar aggregate classification (germline): Conflicting classifications of pathogenicity. Review status: criteria provided, conflicting classifications (1 of 4 stars). 4 submissions from 4 submitters: Likely pathogenic (1); Uncertain significance (3). Last evaluated 2025-09-25.

Conditions:
CDH23-related disorder. Also called: CDH23-related condition; CDH23-related disorders.

Allele frequency attached by ClinVar (database versions not stated): gnomAD 0.00001; TOPMed 0.00001; ExAC 0.00002; 1000 Genomes Project 0.00020; 1000 Genomes Project 30x 0.00031.
gnomAD v4.1: 12 of 1,584,436 alleles (0.00076%); highest among the groups gnomAD compares: East Asian, 0.0023%; no homozygotes.

Submissions (4):

Women's Health and Genetics/Laboratory Corporation of America, LabCorp
Classification: Uncertain significance. Last evaluated: 2025-09-25. Review status: criteria provided, single submitter. Criteria: LabCorp Variant Classification Summary - May 2015. Collection method: clinical testing. Allele origin: germline.
Comment: Variant summary: CDH23 c.4845G>A (p.Ser1615Ser) alters a conserved nucleotide located close to a canonical splice site and therefore could affect mRNA splicing, leading to a significantly altered protein sequence. Several computational tools predict a significant impact on normal splicing: Two predict the variant abolishes a 5' splicing donor site. Two predict the variant weakens a 5' donor site. However, these predictions have yet to be confirmed by functional studies. The frequency data for this variant in gnomAD is considered unreliable, as metrics indicate poor data quality at this position. c.4845G>A has been observed in individual(s) affected with Usher Syndrome (LCG external communication). These data do not allow any conclusion about variant significance. To our knowledge, no experimental evidence demonstrating an impact on protein function has been reported. ClinVar contains an entry for this variant (Variation ID: 1343701). Based on the evidence outlined above, the variant was classified as uncertain significance.

PreventionGenetics, part of Exact Sciences
Classification: Uncertain significance for CDH23-related condition. Last evaluated: 2025-06-26. Review status: criteria provided, single submitter. Criteria: ACMG Guidelines, 2015. Collection method: clinical testing. Allele origin: germline.
Comment: The CDH23 c.4845G>A variant is not predicted to result in an amino acid change (p.=). This variant is predicted to alter splicing based on available splicing prediction programs (SpliceAI, Jaganathan et al. 2019. PubMed ID: 30661751). To our knowledge, this variant has not been reported in the literature. This variant is reported in 0.0067% of alleles in individuals of East Asian descent in gnomAD. At this time, the clinical significance of this variant is uncertain due to the absence of conclusive functional and genetic evidence.

Labcorp Genetics (formerly Invitae), Labcorp
Classification: Likely pathogenic. Last evaluated: 2024-08-26. Review status: criteria provided, single submitter. Criteria: Invitae Variant Classification Sherloc (09022015). Collection method: clinical testing. Allele origin: germline.
Comment: This sequence change affects codon 1615 of the CDH23 mRNA. It is a 'silent' change, meaning that it does not change the encoded amino acid sequence of the CDH23 protein. This variant also falls at the last nucleotide of exon 38, which is part of the consensus splice site for this exon. The frequency data for this variant in the population databases is considered unreliable, as metrics indicate poor data quality at this position in the gnomAD database. This variant has been observed in individual(s) with Usher syndrome (external communication). In at least one individual the data is consistent with being in trans (on the opposite chromosome) from a pathogenic variant. ClinVar contains an entry for this variant (Variation ID: 1343701). Variants that disrupt the consensus splice site are a relatively common cause of aberrant splicing (PMID: 17576681, 9536098). Algorithms developed to predict the effect of sequence changes on RNA splicing suggest that this variant may disrupt the consensus splice site. In summary, the currently available evidence indicates that the variant is pathogenic, but additional data are needed to prove that conclusively. Therefore, this variant has been classified as Likely Pathogenic.

Blueprint Genetics
Classification: Uncertain significance. Last evaluated: 2021-08-13. Review status: criteria provided, single submitter. Criteria: ACMG Guidelines, 2015. Collection method: clinical testing. Allele origin: germline.

Literature cited by the submitters: PubMed 17576681 (cited by Labcorp Genetics (formerly Invitae), Labcorp); PubMed 9536098 (cited by Labcorp Genetics (formerly Invitae), Labcorp).

NM_022124.6(CDH23):c.4845G>A (p.Ser1615=)

Gene: CDH23 (cadherin related 23; plus strand). Cytogenetic location: 10q22.1.
Variant type: single nucleotide variant.
Coding change: c.4845G>A on transcript NM_022124.6 (MANE Select); coding-DNA position 4845, G replaced by A.
Protein change: p.Ser1615=; no amino-acid change (serine 1615 retained).
Molecular consequence: synonymous variant.
Genome position (GRCh38, 1-based): chr10:71,741,921, G>A. VCF-style: chr10-71741921-G-A. GRCh37 (hg19) VCF-style: chr10-73501678-G-A.
Identifiers: ClinVar variation 1343701 (VCV001343701.11), dbSNP rs542618168, ClinGen allele CA5545163.